The following is an entry in ClinVar:

ClinVar aggregate classification (germline): Uncertain significance. Review status: criteria provided, multiple submitters, no conflicts (2 of 4 stars). 2 submissions from 2 submitters: Uncertain significance (2). Last evaluated 2025-08-28.

Conditions:
Inborn genetic diseases. Identifiers: MedGen C0950123, MeSH D030342.
Leukocyte adhesion deficiency 1 (LAD1). Also called: LEUKOCYTE ADHESION DEFICIENCY, TYPE I; LAD 1; Lymphocyte function-associated antigen 1 immunodeficiency; LFA 1 immunodeficiency. Identifiers: Orphanet 2968, Orphanet 99842, MedGen C0398738, MONDO:0007293, OMIM 116920.

Allele frequency attached by ClinVar (database versions not stated): TOPMed below 0.00001; gnomAD 0.00001; gnomAD exomes 0.00001.
gnomAD v4.1: 9 of 1,609,860 alleles (0.00056%); highest among the groups gnomAD compares: South Asian, 0.0022%; no homozygotes.

Submissions (2):

Ambry Genetics
Classification: Uncertain significance for Inborn genetic diseases. Last evaluated: 2025-08-28. Review status: criteria provided, single submitter. Criteria: Ambry Variant Classification Scheme 2023. Collection method: clinical testing. Allele origin: germline.

Labcorp Genetics (formerly Invitae), Labcorp
Classification: Uncertain significance for Leukocyte adhesion deficiency 1. Last evaluated: 2021-08-11. Review status: criteria provided, single submitter. Criteria: Invitae Variant Classification Sherloc (09022015). Collection method: clinical testing. Allele origin: germline.
Comment: This sequence change replaces histidine with arginine at codon 460 of the ITGB2 protein (p.His460Arg). The histidine residue is weakly conserved and there is a small physicochemical difference between histidine and arginine. This variant is not present in population databases (ExAC no frequency). This variant has not been reported in the literature in individuals with ITGB2-related conditions. Algorithms developed to predict the effect of missense changes on protein structure and function output the following: SIFT: "Tolerated"; PolyPhen-2: "Benign"; Align-GVGD: "Class C0". The arginine amino acid residue is found in multiple mammalian species, suggesting that this missense change does not adversely affect protein function. These predictions have not been confirmed by published functional studies and their clinical significance is uncertain. In summary, the available evidence is currently insufficient to determine the role of this variant in disease. Therefore, it has been classified as a Variant of Uncertain Significance.

NM_000211.5(ITGB2):c.1379A>G (p.His460Arg)

Gene: ITGB2 (integrin subunit beta 2; minus strand). Cytogenetic location: 21q22.3.
Variant type: single nucleotide variant.
Coding change: c.1379A>G on transcript NM_000211.5 (MANE Select); coding-DNA position 1379, A replaced by G.
Protein change: p.His460Arg; replaces histidine 460 with arginine.
Molecular consequence: missense variant.
Genome position (GRCh38, 1-based): chr21:44,891,842, T>C on the plus strand (A>G on the coding strand, the complement: ITGB2 is on the minus strand). VCF-style: chr21-44891842-T-C. GRCh37 (hg19) VCF-style: chr21-46311757-T-C.
Other names: c.1379A>G, p.His460Arg (NM_001127491.3); c.1172A>G, p.His391Arg (NM_001303238.2); c.1379A>G (NM_000211.3); short protein forms H391R, H460R.
Identifiers: ClinVar variation 1478491 (VCV001478491.9), dbSNP rs201739251, ClinGen allele CA321895887.
Genomic context (GRCh38, chr21:44,891,842, plus strand): 5'-TTCAACAGGGACCTGCGCCCGCCTCACCTGCAGATGCCGCACTCCAAGAAGCCCTTGCCA[T>C]GGCAGAGGCTGCGGTCTCTGCTCTGGTCCCGGCACCGGCACTCACACTGGGGAAGAACCT-3'
Protein context (NP_000202.3, residues 450-470): RDQSRDRSLC[His460Arg]GKGFLECGIC